The following is an entry in ClinVar:

NM_000275.3(OCA2):c.806A>G (p.Gln269Arg)

Gene: OCA2 (OCA2 melanosomal transmembrane protein; minus strand). Cytogenetic location: 15q13.1.
Variant type: single nucleotide variant.
Coding change: c.806A>G on transcript NM_000275.3 (MANE Select); coding-DNA position 806, A replaced by G.
Protein change: p.Gln269Arg; replaces glutamine 269 with arginine.
Molecular consequence: missense variant.
Genome position (GRCh38, 1-based): chr15:28,018,398, T>C on the plus strand (A>G on the coding strand, the complement: OCA2 is on the minus strand). VCF-style: chr15-28018398-T-C. GRCh37 (hg19) VCF-style: chr15-28263544-T-C.
Other names: c.806A>G, p.Gln269Arg (NM_001300984.2); short protein forms Q269R.
Identifiers: ClinVar variation 4687121 (VCV004687121.1).
Genomic context (GRCh38, chr15:28,018,398, plus strand): 5'-ATTTATTATGAGATGAAATGAGATTTCACAATTCCTTTCAAATAAATTATCAGCATAACC[T>C]GCTGTGGCCGCCGCCACCTGGAGCCCAAAGCGTCAGCCTGGGTCAGCTCCACCACGATGT-3'
Protein context (NP_000266.2, residues 259-279): ALGSRWRRPQ[Gln269Arg]VTHNWTVYLN

ClinVar aggregate classification (germline): Uncertain significance (1 of 4 stars; one submission).

Submission:

Women's Health and Genetics/Laboratory Corporation of America, LabCorp
Classification: Uncertain significance. Last evaluated: 2025-10-22. Review status: criteria provided, single submitter. Criteria: LabCorp Variant Classification Summary - May 2015. Collection method: clinical testing. Allele origin: germline.
Comment: Variant summary: OCA2 c.806A>G (p.Gln269Arg) results in a conservative amino acid change in the encoded protein sequence. Algorithms developed to predict the effect of missense changes on protein structure and function are either unavailable or do not agree on the potential impact of this missense change. Several computational tools predict a significant impact on normal splicing: Two predict the variant abolishes a 5' splicing donor site. One predict the variant creates a 5' donor site. However, these predictions have yet to be confirmed by functional studies. The variant was absent in 250298 control chromosomes. The available data on variant occurrences in the general population are insufficient to allow any conclusion about variant significance. To our knowledge, no occurrence of c.806A>G in individuals affected with OCA2-related conditions and no experimental evidence demonstrating its impact on protein function have been reported. No submitters have cited clinical-significance assessments for this variant to ClinVar. Based on the evidence outlined above, the variant was classified as uncertain significance.